The following is an entry in ClinVar:

ClinVar aggregate classification (germline): Benign/Likely benign. Review status: criteria provided, multiple submitters, no conflicts (2 of 4 stars). 4 submissions from 4 submitters: Benign (1); Likely benign (3). Last evaluated 2026-02-03.

Conditions:
Hereditary cancer-predisposing syndrome. Also called: Neoplastic Syndromes, Hereditary; Tumor predisposition; Hereditary Cancer Syndrome; Hereditary neoplastic syndrome. Identifiers: Orphanet 140162, MedGen C0027672, MeSH D009386, MONDO:0015356.
Familial cancer of breast. Also called: BREAST CANCER, FAMILIAL; Hereditary breast cancer; hereditary breast carcinoma. Identifiers: Orphanet 227535, MedGen C0346153, MONDO:0016419, OMIM 114480. Disease mechanism: loss of function.

Allele frequency attached by ClinVar (database versions not stated): gnomAD exomes below 0.00001 and 0.00001.
gnomAD v4.1: 7 of 1,613,474 alleles (0.00043%); highest among the groups gnomAD compares: Non-Finnish European, 0.00059%; no homozygotes.

Submissions (4):

Labcorp Genetics (formerly Invitae), Labcorp
Classification: Likely benign for Familial cancer of breast. Last evaluated: 2026-02-03. Review status: criteria provided, single submitter. Criteria: Invitae Variant Classification Sherloc (09022015). Collection method: clinical testing. Allele origin: germline.

Myriad Genetics, Inc.
Classification: Benign for Familial cancer of breast. Last evaluated: 2024-07-24. Review status: criteria provided, single submitter. Criteria: Myriad Autosomal Dominant, Autosomal Recessive and X-Linked Classification Criteria (2023). Collection method: clinical testing. Allele origin: unknown.
Comment: This variant is considered benign. This variant is a silent/synonymous amino acid change and it is not expected to impact splicing.

Color Diagnostics, LLC DBA Color Health
Classification: Likely benign for Hereditary cancer-predisposing syndrome. Last evaluated: 2016-04-27. Review status: criteria provided, single submitter. Criteria: ACMG Guidelines, 2015. Collection method: clinical testing. Allele origin: germline.

Ambry Genetics
Classification: Likely benign for Hereditary cancer-predisposing syndrome. Last evaluated: 2014-12-02. Review status: criteria provided, single submitter. Criteria: Ambry Variant Classification Scheme 2023. Collection method: clinical testing. Allele origin: germline.

NM_000465.4(BARD1):c.1308T>A (p.Ser436=)

Gene: BARD1 (BRCA1 associated RING domain 1; minus strand). Cytogenetic location: 2q35.
Variant type: single nucleotide variant.
Coding change: c.1308T>A on transcript NM_000465.4 (MANE Select); coding-DNA position 1308, T replaced by A.
Protein change: p.Ser436=; no amino-acid change (serine 436 retained).
Molecular consequence: synonymous variant. On other transcripts: non-coding transcript variant (2), intron variant (3).
Genome position (GRCh38, 1-based): chr2:214,780,566, A>T on the plus strand (T>A on the coding strand, the complement: BARD1 is on the minus strand). VCF-style: chr2-214780566-A-T. GRCh37 (hg19) VCF-style: chr2-215645290-A-T.
Other names: c.1251T>A, p.Ser417= (NM_001282543.2); c.159-28011T>A (NM_001282548.2); c.215+16495T>A (NM_001282545.2); c.364+11731T>A (NM_001282549.2).
Identifiers: ClinVar variation 187274 (VCV000187274.17), dbSNP rs786203605, ClinGen allele CA197207.
Genomic context (GRCh38, chr2:214,780,566, plus strand): 5'-ATTGCTTTATAGTTGGCCTCATTCTGAGATGGTATTTCAGAGTAAGCATCCTACCTTAAT[A>T]GAAGCAATATGGAGCAAAGTCTCTCCTCTATGATTTCTTTTCACAGCCATATTGGGCAAC-3'
Protein context (NP_000456.2, residues 426-446): HRGETLLHIA[Ser436=]IKGDIPSVEY